The following is an entry in ClinVar:

ClinVar aggregate classification (germline): Pathogenic (1 of 4 stars; one submission).

Submission:

ISCA site 4
Classification: Pathogenic. Last evaluated: 2011-08-12. Review status: criteria provided, single submitter. Criteria: Kaminsky et al. (Genet Med. 2011). Collection method: clinical testing. Allele origin: de novo. Affected: yes. Observed: 1 variant allele.
Comment: Copy number variation identified through the course of routine clinical cytogenomic testing in postnatal populations. Clinical assertions have been curated as described in Kaminsky et al. 2011.

GRCh38/hg38 15q24.1-24.2(chr15:72671629-75662276)x1

Genes: ADPGK-AS1 (ADPGK antisense RNA 1; plus strand), EDC3 (enhancer of mRNA decapping 3; minus strand), FAM219B (family with sequence similarity 219 member B; minus strand), GOLGA6A (golgin A6 family member A; minus strand), MIR631 (microRNA 631; minus strand) and 236 more. Cytogenetic location: 15q24.1-24.2.
Variant type: copy number loss.
Change: copy number 1 (one copy instead of two) of chr15:72,671,629-75,662,276 (2.99 Mb, GRCh38 coordinates, 1-based), cytogenetic band 15q24.1-24.2.
Identifiers: ClinVar variation 57428 (VCV000057428.1).